The following is an entry in ClinVar:

NM_000128.4(F11):c.693_702dup (p.Gly235fs)

Gene: F11 (coagulation factor XI; plus strand). Cytogenetic location: 4q35.2.
Variant type: Duplication.
Coding change: c.693_702dup on transcript NM_000128.4 (MANE Select); coding-DNA positions 693 to 702, 10 bases duplicated (TCATCATCCC; older notation c.693_702dupTCATCATCCC).
Protein change: p.Gly235fs; shifts the reading frame from glycine 235.
Molecular consequence: frameshift variant. On other transcripts: intron variant (4).
Genome position (GRCh38, 1-based): chr4:186,276,328-186,276,337, TCATCATCCC duplicated; duplicating any 10 consecutive bases within chr4:186,276,327-186,276,337 gives the same sequence; the c. name uses the placement nearest the transcript's 3' end. VCF-style (leftmost placement, unchanged base first): chr4-186276326-A-ACTCATCATCC. GRCh37 (hg19) VCF-style: chr4-187197480-A-ACTCATCATCC.
Other names: c.693_702dup, p.Gly235fs (NM_001440590.1, NM_001440593.1, NM_001440596.1); c.485+2053_485+2062dup (NM_001440605.1, NM_001440607.1, NM_001440606.1 and 1 more transcripts); short protein forms G235fs.
Identifiers: ClinVar variation 5011028 (VCV005011028.1).

ClinVar aggregate classification (germline): Pathogenic (1 of 4 stars; one submission).

Conditions:
Hereditary factor XI deficiency disease. Also called: PLASMA THROMBOPLASTIN ANTECEDENT DEFICIENCY; PTA DEFICIENCY; ROSENTHAL SYNDROME; Congenital factor XI deficiency. Identifiers: Orphanet 329, MedGen C0015523, MeSH D005173, MONDO:0012897, OMIM 612416.

Submission:

Myriad Genetics, Inc.
Classification: Pathogenic for Hereditary factor XI deficiency disease. Last evaluated: 2024-05-14. Review status: criteria provided, single submitter. Criteria: Myriad Autosomal Dominant, Autosomal Recessive and X-Linked Classification Criteria (2023). Collection method: clinical testing. Allele origin: unknown.
Comment: NM_000128.3(F11):c.693_702dup10(G235Sfs*27) is expected to be pathogenic in the context of factor XI deficiency. This variant is predicted to lead to an abnormal or absent protein product due to the creation of a premature termination codon in F11, a gene where loss-of-function variants are known to be pathogenic. Please note: this variant was assessed in the context of healthy population screening.